The following is an entry in ClinVar:

NM_001365276.2(TNXB):c.8389G>T (p.Gly2797Trp)

Gene: TNXB (tenascin XB; minus strand). Cytogenetic location: 6p21.33.
Variant type: single nucleotide variant.
Coding change: c.8389G>T on transcript NM_001365276.2 (MANE Select); coding-DNA position 8389, G replaced by T.
Protein change: p.Gly2797Trp; replaces glycine 2797 with tryptophan.
Molecular consequence: missense variant.
Genome position (GRCh38, 1-based): chr6:32,055,929, C>A on the plus strand (G>T on the coding strand, the complement: TNXB is on the minus strand). VCF-style: chr6-32055929-C-A. GRCh37 (hg19) VCF-style: chr6-32023706-C-A.
Other names: c.8389G>T (NM_019105.6); c.8389G>T, p.Gly2797Trp (NM_019105.8); short protein forms G2797W.
Identifiers: ClinVar variation 1285537 (VCV001285537.2), dbSNP rs747680383, ClinGen allele CA363549137.
Genomic context (GRCh38, chr6:32,055,929, plus strand): 5'-ACACCGGGCCCACACGCCGCCCCTCGTGGAGGCCGTACAGGTGCATCTTGTATTTGCGCC[C>A]GGGCTCCAGGCCCCCCACGGTGACCTCGCTCTCCTCGCCCCTGACACGCATCACCTGGGG-3'
Protein context (NP_001352205.1, residues 2787-2807): SEVTVGGLEP[Gly2797Trp]RKYKMHLYGL

ClinVar aggregate classification (germline): Uncertain significance. Review status: criteria provided, multiple submitters, no conflicts (2 of 4 stars). 2 submissions from 2 submitters: Uncertain significance (2). Last evaluated 2024-07-28.

Conditions:
Cardiovascular phenotype. Identifiers: MedGen CN230736.
Ehlers-Danlos syndrome due to tenascin-X deficiency (EDSCLL1). Also called: EHLERS-DANLOS SYNDROME, CLASSIC-LIKE; Ehlers-Danlos syndrome, classic-like, 1; TNX DEFICIENCY; TNXB-Related Classical-Like Ehlers-Danlos Syndrome; EDS DUE TO TNX DEFICIENCY. Identifiers: Orphanet 230839, MedGen C1848029, MONDO:0011670, OMIM 606408.

Allele frequency attached by ClinVar (database versions not stated): gnomAD 0.00001; TOPMed 0.00001.
gnomAD v4.1: 4 of 1,613,416 alleles (0.00025%); highest among the groups gnomAD compares: African/African-American, 0.0027%; no homozygotes.

Submissions (2):

Ambry Genetics
Classification: Uncertain significance for Cardiovascular phenotype. Last evaluated: 2024-07-28. Review status: criteria provided, single submitter. Criteria: Ambry Variant Classification Scheme 2023. Collection method: clinical testing. Allele origin: germline.
Comment: The p.G2797W variant (also known as c.8389G>T), located in coding exon 23 of the TNXB gene, results from a G to T substitution at nucleotide position 8389. The glycine at codon 2797 is replaced by tryptophan, an amino acid with highly dissimilar properties. This amino acid position is conserved. In addition, this alteration is predicted to be tolerated by in silico analysis. Based on the available evidence, the clinical significance of this variant remains unclear.

Institute of Human Genetics, University of Leipzig Medical Center
Classification: Uncertain significance for Ehlers-Danlos syndrome due to tenascin-X deficiency. Last evaluated: 2021-02-22. Review status: criteria provided, single submitter. Criteria: ACMG Guidelines, 2015. Collection method: clinical testing. Allele origin: unknown. Affected: yes.